The following is an entry in ClinVar:

NM_182643.3(DLC1):c.1315-4dup

Gene: DLC1 (DLC1 Rho GTPase activating protein; minus strand). Cytogenetic location: 8p22.
Variant type: Duplication.
Coding change: c.1315-4dup on transcript NM_182643.3 (MANE Select); 4 bases into the intron before coding-DNA position 1315, one base duplicated (T; older notation c.1315-4dupT).
Molecular consequence: intron variant.
Genome position (GRCh38, 1-based): chr8:13,305,306, A duplicated on the plus strand (T on the coding strand, the reverse complement: DLC1 is on the minus strand); the first of 8 consecutive A bases (chr8:13,305,306-13,305,313); duplicating any one gives the same sequence. VCF-style (leftmost placement, unchanged base first): chr8-13305305-G-GA. GRCh37 (hg19) VCF-style: chr8-13162814-G-GA.
Other names: c.-137-4dup (NM_001348082.2); c.1315-4dup (NM_001348081.2, NM_001413124.1, NM_001413125.1 and 1 more transcripts).
Identifiers: ClinVar variation 3047643 (VCV003047643.2), dbSNP rs752886435, ClinGen allele CA4639155.
Genomic context (GRCh38, chr8:13,305,305, plus strand): 5'-AACAGAACCAAAATGTCAACTTACCAGCCTTTTCCTTCTCTGAAATACCTTGAATAGCCT[G>GA]AAAAAAAAGACACAAAAATTGTGGTATTATTAGGAAGAAACATCAGAAAGCATCATTAGA-3'

ClinVar aggregate classification (germline): Likely benign (0 of 4 stars; one submission).

Conditions:
DLC1-related disorder. Also called: DLC1-related condition.

Submission:

PreventionGenetics, part of Exact Sciences
Classification: Likely benign for DLC1-related condition. Last evaluated: 2020-03-23. Review status: no assertion criteria provided. Collection method: clinical testing. Allele origin: germline.
Comment: This variant is classified as likely benign based on ACMG/AMP sequence variant interpretation guidelines (Richards et al. 2015 PMID: 25741868, with internal and published modifications).